The following is an entry in ClinVar:

NM_002225.5(IVD):c.832A>C (p.Ser278Arg)

Gene: IVD (isovaleryl-CoA dehydrogenase; plus strand). Cytogenetic location: 15q15.1.
Variant type: single nucleotide variant.
Coding change: c.832A>C on transcript NM_002225.5 (MANE Select); coding-DNA position 832, A replaced by C.
Protein change: p.Ser278Arg; replaces serine 278 with arginine.
Molecular consequence: missense variant. On other transcripts: non-coding transcript variant (1).
Genome position (GRCh38, 1-based): chr15:40,414,936, A>C. VCF-style: chr15-40414936-A-C. GRCh37 (hg19) VCF-style: chr15-40707135-A-C.
Other names: c.742A>C, p.Ser248Arg (NM_001159508.3); c.784A>C, p.Ser262Arg (NM_001354597.3); c.832A>C, p.Ser278Arg (NM_001354598.3, NM_001354601.3); c.919A>C, p.Ser307Arg (NM_001354599.3, NM_001354600.3); short protein forms S248R, S307R, S262R, S278R.
Identifiers: ClinVar variation 654524 (VCV000654524.8), dbSNP rs552272986, ClinGen allele CA7480759.
Genomic context (GRCh38, chr15:40,414,936, plus strand): 5'-CTTATCCTGGCAGCTGCCAACATCCTGGGCCATGAGAATAAGGGTGTCTACGTGCTGATG[A>C]GTGGGCTGGACCTGGAGCGGCTGGTGCTGGCCGGGGGGCCTCTTGGGTAAGTGTGAGAGG-3'
Protein context (NP_002216.3, residues 268-288): HENKGVYVLM[Ser278Arg]GLDLERLVLA

ClinVar aggregate classification (germline): Uncertain significance. Review status: criteria provided, multiple submitters, no conflicts (2 of 4 stars). 3 submissions from 3 submitters: Uncertain significance (2). 1 of the submissions does not count toward it. Last evaluated 2024-08-13.

Conditions:
Isovaleryl-CoA dehydrogenase deficiency (IVA). Also called: Isovaleric acidemia; IVD DEFICIENCY; ISOVALERIC ACID CoA DEHYDROGENASE DEFICIENCY; Classic Isovaleric Acidemia. Identifiers: Orphanet 33, MedGen C0268575, MONDO:0009475, OMIM 243500.

Allele frequency attached by ClinVar (database versions not stated): gnomAD 0.00005 and 0.00007; TOPMed 0.00023; 1000 Genomes Project 30x 0.00031; 1000 Genomes Project 0.00040.
gnomAD v4.1: 87 of 1,614,130 alleles (0.0054%); highest among the groups gnomAD compares: East Asian, 0.19%; no homozygotes.

Submissions (3):

Labcorp Genetics (formerly Invitae), Labcorp
Classification: Uncertain significance for Isovaleryl-CoA dehydrogenase deficiency. Last evaluated: 2024-08-13. Review status: criteria provided, single submitter. Criteria: Invitae Variant Classification Sherloc (09022015). Collection method: clinical testing. Allele origin: germline.
Comment: This sequence change replaces serine, which is neutral and polar, with arginine, which is basic and polar, at codon 281 of the IVD protein (p.Ser281Arg). This variant is present in population databases (rs552272986, gnomAD 0.2%). This variant has not been reported in the literature in individuals affected with IVD-related conditions. ClinVar contains an entry for this variant (Variation ID: 654524). An algorithm developed to predict the effect of missense changes on protein structure and function (PolyPhen-2) suggests that this variant is likely to be disruptive. In summary, the available evidence is currently insufficient to determine the role of this variant in disease. Therefore, it has been classified as a Variant of Uncertain Significance.

Illumina Laboratory Services, Illumina
Classification: Uncertain significance for Isovaleryl-CoA dehydrogenase deficiency. Last evaluated: 2018-01-13. Review status: criteria provided, single submitter. Criteria: ICSL Variant Classification Criteria 13 December 2019. Collection method: clinical testing. Allele origin: germline.

Natera, Inc.
Classification: Uncertain significance for Isovaleryl-coa dehydrogenase deficiency. Last evaluated: 2019-07-19. Review status: no assertion criteria provided. Collection method: clinical testing. Allele origin: germline. Not counted in ClinVar's aggregate classification.